The following is an entry in ClinVar:

ClinVar aggregate classification (germline): Likely benign (1 of 4 stars; one submission).

Submission:

CeGaT Center for Human Genetics Tuebingen
Classification: Likely benign. Last evaluated: 2023-01-01. Review status: criteria provided, single submitter. Criteria: CeGaT Center For Human Genetics Tuebingen Variant Classification Criteria Version 2. Collection method: clinical testing. Allele origin: germline. Affected: yes. Observed: 1 variant allele.
Comment: MUC12: BP4, BP7

NM_001164462.2(MUC12):c.12523T>C (p.Leu4175=)

Gene: MUC12 (mucin 12, cell surface associated; plus strand). Cytogenetic location: 7q22.1.
Variant type: single nucleotide variant.
Coding change: c.12523T>C on transcript NM_001164462.2 (MANE Select); coding-DNA position 12523, T replaced by C.
Protein change: p.Leu4175=; no amino-acid change (leucine 4175 retained).
Molecular consequence: synonymous variant.
Genome position (GRCh38, 1-based): chr7:101,003,086, T>C. VCF-style: chr7-101003086-T-C. GRCh37 (hg19) VCF-style: chr7-100646367-T-C.
Identifiers: ClinVar variation 2657821 (VCV002657821.24), dbSNP rs1475597039, ClinGen allele CA456915030.